The following is an entry in ClinVar:

NM_020778.5(ALPK3):c.4723+5G>T

Gene: ALPK3 (alpha kinase 3; plus strand). Cytogenetic location: 15q25.3.
Variant type: single nucleotide variant.
Coding change: c.4723+5G>T on transcript NM_020778.5 (MANE Select); 5 bases into the intron after coding-DNA position 4723, G replaced by T.
Molecular consequence: intron variant.
Genome position (GRCh38, 1-based): chr15:84,864,670, G>T. VCF-style: chr15-84864670-G-T. GRCh37 (hg19) VCF-style: chr15-85407901-G-T.
Identifiers: ClinVar variation 3533167 (VCV003533167.1).
Genomic context (GRCh38, chr15:84,864,670, plus strand): 5'-CCAACACTGGCTGTATCAGTGGACAAATGGCAGCTTCCTTGTCACAGACTTGGCAGGTAC[G>T]AGGGTGTGAGGGTGCACGGGTACGCATGTGCATGGATGTGAAAGCATGCAGAGGAGGCAA-3'

ClinVar aggregate classification (germline): Uncertain significance (1 of 4 stars; one submission).

Conditions:
Cardiovascular phenotype. Identifiers: MedGen CN230736.

gnomAD v4.1: 4 of 1,612,630 alleles (0.00025%); highest among the groups gnomAD compares: Non-Finnish European, 0.00017%; no homozygotes.

Submission:

Ambry Genetics
Classification: Uncertain significance for Cardiovascular phenotype. Last evaluated: 2024-11-20. Review status: criteria provided, single submitter. Criteria: Ambry Variant Classification Scheme 2023. Collection method: clinical testing. Allele origin: germline.
Comment: The c.5329+5G>T intronic variant results from a G to T substitution 5 nucleotides after coding exon 12 in the ALPK3 gene. This nucleotide position is well conserved in available vertebrate species. In silico splice site analysis predicts that this alteration may weaken the native splice donor site. Based on the available evidence, the clinical significance of this variant remains unclear.